The following is an entry in ClinVar:

ClinVar aggregate classification (germline): Benign (0 of 4 stars; one submission).

Conditions:
EPPK1-related disorder. Also called: EPPK1-related condition.

Allele frequency attached by ClinVar (database versions not stated): gnomAD exomes 0.00050; ExAC 0.00156; ESP Exome Variant Server 0.00311; gnomAD 0.00333; TOPMed 0.00379; 1000 Genomes Project 0.00519; 1000 Genomes Project 30x 0.00547.

Submission:

PreventionGenetics, part of Exact Sciences
Classification: Benign for EPPK1-related condition. Last evaluated: 2021-04-20. Review status: no assertion criteria provided. Collection method: clinical testing. Allele origin: germline.
Comment: This variant is classified as benign based on ACMG/AMP sequence variant interpretation guidelines (Richards et al. 2015 PMID: 25741868, with internal and published modifications).

NM_031308.4(EPPK1):c.3355G>A (p.Ala1119Thr)

Gene: EPPK1 (epiplakin 1; minus strand). Cytogenetic location: 8q24.3.
Variant type: single nucleotide variant.
Coding change: c.3355G>A on transcript NM_031308.4 (MANE Select); coding-DNA position 3355, G replaced by A.
Protein change: p.Ala1119Thr; replaces alanine 1119 with threonine.
Molecular consequence: missense variant.
Genome position (GRCh38, 1-based): chr8:143,869,899, C>T on the plus strand (G>A on the coding strand, the complement: EPPK1 is on the minus strand). VCF-style: chr8-143869899-C-T. GRCh37 (hg19) VCF-style: chr8-144944067-C-T.
Other names: short protein forms A1119T.
Identifiers: ClinVar variation 3034552 (VCV003034552.2), dbSNP rs200211342, ClinGen allele CA4922801.